The following is an entry in ClinVar:

NM_001127208.3(TET2):c.2547del (p.His850fs)

Genes: TET2 (tet methylcytosine dioxygenase 2; plus strand), TET2-AS1 (TET2 antisense RNA 1; minus strand). Cytogenetic location: 4q24.
Variant type: Deletion.
Coding change: c.2547del on transcript NM_001127208.3 (MANE Select); coding-DNA position 2547, one base deleted (A; older notation c.2547delA).
Protein change: p.His850fs; shifts the reading frame from histidine 850.
Molecular consequence: frameshift variant.
Genome position (GRCh38, 1-based): chr4:105,236,489, A deleted. VCF-style (leftmost placement, unchanged base first): chr4-105236488-CA-C. GRCh37 (hg19) VCF-style: chr4-106157645-CA-C.
Other names: c.2547del, p.His850fs (NM_017628.4); short protein forms H850fs.
Identifiers: ClinVar variation 2866526 (VCV002866526.3), dbSNP rs2476501669, ClinGen allele CA2739270238.
Genomic context (GRCh38, chr4:105,236,488, plus strand): 5'-AAATACAGGTTTCTTGTTCAAACAATACACACCTAGTTTCAGAGAATAAAGAACAGACTA[CA>C]CATCCTGAACTTTTTGCAGGAAACAAGACCCAAAACTTGCATCACATGCAATATTTTCCA-3'

ClinVar aggregate classification (germline): Pathogenic (1 of 4 stars; one submission).

Submission:

Labcorp Genetics (formerly Invitae), Labcorp
Classification: Pathogenic. Last evaluated: 2023-06-15. Review status: criteria provided, single submitter. Criteria: Invitae Variant Classification Sherloc (09022015). Collection method: clinical testing. Allele origin: germline.
Comment: This variant has not been reported in the literature in individuals affected with TET2-related conditions. For these reasons, this variant has been classified as Pathogenic. This variant is not present in population databases (gnomAD no frequency). This sequence change creates a premature translational stop signal (p.His850Ilefs*23) in the TET2 gene. It is expected to result in an absent or disrupted protein product. Loss-of-function variants in TET2 are known to be pathogenic (PMID: 36066697).

Literature cited by the submitters: PubMed 36066697.